The following is an entry in ClinVar:

ClinVar aggregate classification (germline): Uncertain significance (1 of 4 stars; one submission).

Conditions:
Idiopathic generalized epilepsy. Also called: EIG; Generalised epilepsy. Identifiers: MedGen C0270850, MONDO:0005579, OMIM 600669.
Hyperaldosteronism, familial, type IV (HALD4). Also called: FH IV; ALDOSTERONISM, PRIMARY, AND HYPERTENSION. Identifiers: Orphanet 642671, MedGen C4310756, MONDO:0014875, OMIM 617027.

Submission:

Labcorp Genetics (formerly Invitae), Labcorp
Classification: Uncertain significance for Idiopathic generalized epilepsy; Hyperaldosteronism, familial, type IV. Last evaluated: 2022-11-24. Review status: criteria provided, single submitter. Criteria: Invitae Variant Classification Sherloc (09022015). Collection method: clinical testing. Allele origin: germline.
Comment: In summary, the available evidence is currently insufficient to determine the role of this variant in disease. Therefore, it has been classified as a Variant of Uncertain Significance. Advanced modeling of protein sequence and biophysical properties (such as structural, functional, and spatial information, amino acid conservation, physicochemical variation, residue mobility, and thermodynamic stability) has been performed at Invitae for this missense variant, however the output from this modeling did not meet the statistical confidence thresholds required to predict the impact of this variant on CACNA1H protein function. This variant has not been reported in the literature in individuals affected with CACNA1H-related conditions. This variant is not present in population databases (gnomAD no frequency). This sequence change replaces methionine, which is neutral and non-polar, with isoleucine, which is neutral and non-polar, at codon 912 of the CACNA1H protein (p.Met912Ile).

NM_021098.3(CACNA1H):c.2736G>A (p.Met912Ile)

Gene: CACNA1H (calcium voltage-gated channel subunit alpha1 H; plus strand). Cytogenetic location: 16p13.3.
Variant type: single nucleotide variant.
Coding change: c.2736G>A on transcript NM_021098.3 (MANE Select); coding-DNA position 2736, G replaced by A.
Protein change: p.Met912Ile; replaces methionine 912 with isoleucine.
Molecular consequence: missense variant.
Genome position (GRCh38, 1-based): chr16:1,206,236, G>A. VCF-style: chr16-1206236-G-A. GRCh37 (hg19) VCF-style: chr16-1256236-G-A.
Other names: c.2736G>A, p.Met912Ile (NM_001005407.2); short protein forms M912I.
Identifiers: ClinVar variation 2953765 (VCV002953765.3), dbSNP rs1184910813, ClinGen allele CA394169231.